The following is an entry in ClinVar:

ClinVar aggregate classification (germline): Likely pathogenic (1 of 4 stars; one submission).

Conditions:
Schaaf-Yang syndrome (SHFYNG). Also called: Arthrogryposis, distal, with hypopituitarism, intellectual disability, and facial anomalies; MAGEL2-related Prader-Willi-like syndrome. Identifiers: Orphanet 398069, MedGen C5575066, MONDO:0014243, OMIM 615547.

Submission:

Institute of Human Genetics, University of Leipzig Medical Center
Classification: Likely pathogenic for Schaaf-Yang syndrome. Last evaluated: 2022-05-30. Review status: criteria provided, single submitter. Criteria: ACMG Guidelines, 2015. Collection method: clinical testing. Allele origin: unknown. Affected: yes.
Comment: _x000D_ Criteria applied: PVS1_STR, PM2_SUP, PP4

NM_019066.5(MAGEL2):c.1687C>T (p.Gln563Ter)

Gene: MAGEL2 (MAGE family member L2; minus strand). Cytogenetic location: 15q11.2.
Variant type: single nucleotide variant.
Coding change: c.1687C>T on transcript NM_019066.5 (MANE Select); coding-DNA position 1687, C replaced by T.
Protein change: p.Gln563Ter; replaces glutamine 563 with a stop codon.
Molecular consequence: nonsense.
Genome position (GRCh38, 1-based): chr15:23,646,056, G>A on the plus strand (C>T on the coding strand, the complement: MAGEL2 is on the minus strand). VCF-style: chr15-23646056-G-A. GRCh37 (hg19) VCF-style: chr15-23891203-G-A.
Other names: short protein forms Q563*.
Identifiers: ClinVar variation 1691868 (VCV001691868.1), dbSNP rs2140715275, ClinGen allele CA391333530.
Genomic context (GRCh38, chr15:23,646,056, plus strand): 5'-GGCAGTGCACAGCCTGCGGGGCAGACAGTGGGGCAGACAGCGGGGCCGGCAGCACAGGCT[G>A]GGGCACCTGCGGGCCAGCGGGCGGCGCCGCGGGTACCTGCGTAGCAGGTGGGGCCGTAGG-3'